The following is an entry in ClinVar:

NM_001453.3(FOXC1):c.661G>C (p.Val221Leu)

Gene: FOXC1 (forkhead box C1; plus strand). Cytogenetic location: 6p25.3.
Variant type: single nucleotide variant.
Coding change: c.661G>C on transcript NM_001453.3 (MANE Select); coding-DNA position 661, G replaced by C.
Protein change: p.Val221Leu; replaces valine 221 with leucine.
Molecular consequence: missense variant.
Genome position (GRCh38, 1-based): chr6:1,611,106, G>C. VCF-style: chr6-1611106-G-C. GRCh37 (hg19) VCF-style: chr6-1611341-G-C.
Other names: short protein forms V221L.
Identifiers: ClinVar variation 2636537 (VCV002636537.1), dbSNP rs1762532993, ClinGen allele CA362559306.

ClinVar aggregate classification (germline): Uncertain significance (1 of 4 stars; one submission).

Conditions:
FOXC1-related disorder. Also called: FOXC1-related condition.

Allele frequency attached by ClinVar (database versions not stated): TOPMed below 0.00001.

Submission:

PreventionGenetics, part of Exact Sciences
Classification: Uncertain significance for FOXC1-related condition. Last evaluated: 2023-08-13. Review status: criteria provided, single submitter. Criteria: ACMG Guidelines, 2015. Collection method: clinical testing. Allele origin: germline.
Comment: The FOXC1 c.661G>C variant is predicted to result in the amino acid substitution p.Val221Leu. To our knowledge, this variant has not been reported in the literature or in a large population database, indicating this variant is rare. At this time, the clinical significance of this variant is uncertain due to the absence of conclusive functional and genetic evidence.